The following continues an entry in ClinVar:

NM_002693.3(POLG):c.830A>T (p.His277Leu)

Gene: POLG. ClinVar aggregate classification (germline): Conflicting classifications of pathogenicity. Pathogenic (3); Likely pathogenic (10); Uncertain significance (9).

Submissions 24 to 25 of 25:

Dr. Peter K. Rogan Lab, Western University
No classification provided (evidence only). Condition: Lung cancer. Review status: no classification provided. Collection method: in vitro. Allele origin: not applicable. Functional consequence: retained intron. Not counted in ClinVar's aggregate classification.

Dr. Peter K. Rogan Lab, Western University
No classification provided (evidence only). Condition: Sarcoma. Review status: no classification provided. Collection method: in vitro. Allele origin: not applicable. Functional consequence: retained intron. Not counted in ClinVar's aggregate classification.

Literature cited by the submitters: PubMed 21301859 (cited by 8 submitters); PubMed 22357363 (cited by 8 submitters); PubMed 18487244 (cited by 8 submitters); PubMed 22114710 (cited by 5 submitters); PubMed 24508722 (cited by 6 submitters); PubMed 26095671 (cited by 6 submitters); PubMed 27987238 (cited by 7 submitters); PubMed 21880868 (cited by 3 submitters); PubMed 22000311 (cited by 4 submitters); PubMed 25203713 (cited by 3 submitters); PubMed 25724872 (cited by Mayo Clinic Laboratories, Mayo Clinic and Women's Health and Genetics/Laboratory Corporation of America, LabCorp); PubMed 27538604 (cited by 3 submitters); PubMed 28337550 (cited by 4 submitters); PubMed 30451971 (cited by Mayo Clinic Laboratories, Mayo Clinic and Women's Health and Genetics/Laboratory Corporation of America, LabCorp); PubMed 30609409 (cited by 4 submitters); PubMed 31440721 (cited by Mayo Clinic Laboratories, Mayo Clinic and Women's Health and Genetics/Laboratory Corporation of America, LabCorp); PubMed 33791913 (cited by 3 submitters); PubMed 35114397 (cited by Mayo Clinic Laboratories, Mayo Clinic and Women's Health and Genetics/Laboratory Corporation of America, LabCorp); PubMed 38294884 (cited by 3 submitters); PubMed 32183364 (cited by Women's Health and Genetics/Laboratory Corporation of America, LabCorp); PubMed 24828792 (cited by Women's Health and Genetics/Laboratory Corporation of America, LabCorp); PubMed 24642831 (cited by Women's Health and Genetics/Laboratory Corporation of America, LabCorp and Athena Diagnostics); PubMed 34690748 (cited by Women's Health and Genetics/Laboratory Corporation of America, LabCorp); PubMed 35478072 (cited by Women's Health and Genetics/Laboratory Corporation of America, LabCorp); PubMed 30941926 (cited by Women's Health and Genetics/Laboratory Corporation of America, LabCorp); PubMed 38534782 (cited by Women's Health and Genetics/Laboratory Corporation of America, LabCorp); PubMed 33809641 (cited by Women's Health and Genetics/Laboratory Corporation of America, LabCorp); PubMed 31921313 (cited by Women's Health and Genetics/Laboratory Corporation of America, LabCorp); PubMed 30478137 (cited by Women's Health and Genetics/Laboratory Corporation of America, LabCorp); PubMed 36838782 (cited by Women's Health and Genetics/Laboratory Corporation of America, LabCorp); PubMed 36353900 (cited by Women's Health and Genetics/Laboratory Corporation of America, LabCorp); PubMed 20558295 (cited by Women's Health and Genetics/Laboratory Corporation of America, LabCorp); PubMed 35292633 (cited by Women's Health and Genetics/Laboratory Corporation of America, LabCorp); PubMed 37091313 (cited by Practice for Gait Abnormalities, David Pomarino, Competency Network Toe Walking C/o Practice Pomarino).